The following is an entry in ClinVar:

ClinVar aggregate classification (germline): Conflicting classifications of pathogenicity. Review status: criteria provided, conflicting classifications (1 of 4 stars). 7 submissions from 6 submitters: Uncertain significance (3); Benign (1); Likely benign (3). Last evaluated 2026-01-18.

Conditions:
Kidney disorder. Also called: renal disorder; Nephropathy; renal disease; Kidney disease; Kidney Diseases. Identifiers: MedGen C0022658, MONDO:0005240, HP:0000112.
Nephronophthisis. Also called: Juvenile Nephronophthisis. Identifiers: Orphanet 655, MedGen C0687120, MONDO:0019005, HP:0000090.
Nephronophthisis 4 (NPHP4). Also called: NEPHRONOPHTHISIS 4, JUVENILE. Identifiers: Orphanet 655, MedGen C1847013, MONDO:0011752, OMIM 606966.
Senior-Loken syndrome 4 (SLSN4). Identifiers: Orphanet 3156, MedGen C1846979, MONDO:0011756, OMIM 606996.

Allele frequency attached by ClinVar (database versions not stated): ESP Exome Variant Server 0.00073; gnomAD exomes 0.00112 and 0.00164; gnomAD 0.00113 and 0.00136; TOPMed 0.00131; ExAC 0.00139; 1000 Genomes Project 30x 0.00172; 1000 Genomes Project 0.00200.
gnomAD v4.1: 1,890 of 1,613,796 alleles (0.12%); highest among the groups gnomAD compares: Middle Eastern, 1.5%; 10 homozygotes.

Submissions (7):

Labcorp Genetics (formerly Invitae), Labcorp
Classification: Benign for Nephronophthisis. Last evaluated: 2026-01-18. Review status: criteria provided, single submitter. Criteria: Invitae Variant Classification Sherloc (09022015). Collection method: clinical testing. Allele origin: germline.

Blueprint Genetics
Classification: Likely benign. Last evaluated: 2024-11-26. Review status: criteria provided, single submitter. Criteria: ACMG Guidelines, 2015. Collection method: clinical testing. Allele origin: germline.

CeGaT Center for Human Genetics Tuebingen
Classification: Likely benign. Last evaluated: 2024-10-01. Review status: criteria provided, single submitter. Criteria: CeGaT Center For Human Genetics Tuebingen Variant Classification Criteria Version 2. Collection method: clinical testing. Allele origin: germline. Affected: yes. Observed: 2 variant alleles.
Comment: NPHP4: BS2

Illumina Laboratory Services, Illumina
Classification: Uncertain significance for Nephronophthisis 4. Last evaluated: 2017-04-27. Review status: criteria provided, single submitter. Criteria: ICSL Variant Classification Criteria 13 December 2019. Collection method: clinical testing. Allele origin: germline.
Comment: This variant was observed as part of a predisposition screen in an ostensibly healthy population. A literature search was performed for the gene, cDNA change, and amino acid change (where applicable). Publications were found based on this search. However, the evidence from the literature, in combination with allele frequency data from public databases where available, was not sufficient to rule this variant in or out of causing disease. Therefore, this variant is classified as a variant of unknown significance.

Illumina Laboratory Services, Illumina
Classification: Uncertain significance for Senior-Loken syndrome 4. Last evaluated: 2017-04-27. Review status: criteria provided, single submitter. Criteria: ICSL Variant Classification Criteria 13 December 2019. Collection method: clinical testing. Allele origin: germline.
Comment: the same text as in the submission from Illumina Laboratory Services, Illumina above.

Genome Diagnostics Laboratory, The Hospital for Sick Children
Classification: Uncertain significance for Kidney disorder. Last evaluated: 2017-01-16. Review status: criteria provided, single submitter. Criteria: ACMG Guidelines, 2015. Collection method: clinical testing. Allele origin: germline.

Eurofins Ntd Llc (ga)
Classification: Likely benign. Last evaluated: 2016-02-29. Review status: criteria provided, single submitter. Criteria: EGL Classification Definitions 2015. Collection method: clinical testing. Allele origin: germline. Observed: 2 variant alleles, 2 heterozygotes.

Literature cited by the submitters: PubMed 21546380 (cited by Illumina Laboratory Services, Illumina); PubMed 15776426 (cited by Illumina Laboratory Services, Illumina).

NM_015102.5(NPHP4):c.1024C>T (p.Arg342Cys)

Gene: NPHP4 (nephrocystin 4; minus strand). Cytogenetic location: 1p36.31.
Variant type: single nucleotide variant.
Coding change: c.1024C>T on transcript NM_015102.5 (MANE Select); coding-DNA position 1024, C replaced by T.
Protein change: p.Arg342Cys; replaces arginine 342 with cysteine.
Molecular consequence: missense variant. On other transcripts: 5 prime UTR variant (2), non-coding transcript variant (1).
Genome position (GRCh38, 1-based): chr1:5,947,199, G>A on the plus strand (C>T on the coding strand, the complement: NPHP4 is on the minus strand). VCF-style: chr1-5947199-G-A. GRCh37 (hg19) VCF-style: chr1-6007259-G-A.
Other names: c.-343C>T (NM_001291593.2, NM_001291594.2); short protein forms R342C.
Identifiers: ClinVar variation 281181 (VCV000281181.47), dbSNP rs190940697, ClinGen allele CA554665.
Genomic context (GRCh38, chr1:5,947,199, plus strand): 5'-ACTCCAGCTGGAAGATGACCGCAAATGCAGGGTGGCCGACCATCTCTGGGAGGCGGAGGC[G>A]GCTTCTCAAAACCAGAGCTTGGCTCCCGGAGCTGGGTCAGAAACACAAACCAGGGACACA-3'
Protein context (NP_055917.1, residues 332-352): SGSQALVLRS[Arg342Cys]LRLPEMVGHP